The following is an entry in ClinVar:

ClinVar aggregate classification (germline): Uncertain significance (1 of 4 stars; one submission).

Submission:

GeneDx
Classification: Uncertain significance. Last evaluated: 2025-09-23. Review status: criteria provided, single submitter. Criteria: GeneDx Variant Classification Process June 2021. Collection method: clinical testing. Allele origin: germline. Affected: yes.
Comment: Not observed at significant frequency in large population cohorts (gnomAD); Has not been previously published as pathogenic or benign to our knowledge; Canonical splice site variant in a gene for which loss-of-function is not an established mechanism of disease

NM_001017974.2(P4HA2):c.1305+2T>C

Gene: P4HA2 (prolyl 4-hydroxylase subunit alpha 2; minus strand). Cytogenetic location: 5q31.1.
Variant type: single nucleotide variant.
Coding change: c.1305+2T>C on transcript NM_001017974.2 (MANE Select); the canonical splice donor site of the intron after coding-DNA position 1305, T replaced by C.
Molecular consequence: splice donor variant.
Genome position (GRCh38, 1-based): chr5:132,198,877, A>G on the plus strand (T>C on the coding strand, the complement: P4HA2 is on the minus strand). VCF-style: chr5-132198877-A-G. GRCh37 (hg19) VCF-style: chr5-131534570-A-G.
Other names: c.1305+2T>C (NM_001365678.2, NM_001365679.2, NM_004199.3 and 4 more transcripts); c.1128+2T>C (NM_001365681.2).
Identifiers: ClinVar variation 4813901 (VCV004813901.1).